The following is an entry in ClinVar:

NM_130384.3(ATRIP):c.1895T>G (p.Leu632Arg)

Genes: ATRIP (ATR interacting protein; plus strand), ATRIP-TREX1 (ATRIP-TREX1 readthrough; plus strand). Cytogenetic location: 3p21.31.
Variant type: single nucleotide variant.
Coding change: c.1895T>G on transcript NM_130384.3 (MANE Select); coding-DNA position 1895, T replaced by G.
Protein change: p.Leu632Arg; replaces leucine 632 with arginine.
Molecular consequence: missense variant. On other transcripts: non-coding transcript variant (1).
Genome position (GRCh38, 1-based): chr3:48,464,053, T>G. VCF-style: chr3-48464053-T-G. GRCh37 (hg19) VCF-style: chr3-48505452-T-G.
Other names: c.1514T>G, p.Leu505Arg (NM_001271022.2); c.1616T>G, p.Leu539Arg (NM_001271023.2); c.1895T>G, p.Leu632Arg (NM_032166.4); short protein forms L632R, L505R, L539R.
Identifiers: ClinVar variation 4644520 (VCV004644520.1).

ClinVar aggregate classification (germline): Uncertain significance (1 of 4 stars; one submission).

gnomAD v4.1: 6 of 1,613,252 alleles (0.00037%); highest among the groups gnomAD compares: South Asian, 0.0055%; no homozygotes.

Submission:

Ambry Genetics
Classification: Uncertain significance. Last evaluated: 2025-09-28. Review status: criteria provided, single submitter. Criteria: Ambry Variant Classification Scheme 2023. Collection method: clinical testing. Allele origin: germline.
Comment: The p.L632R variant (also known as c.1895T>G), located in coding exon 10 of the ATRIP gene, results from a T to G substitution at nucleotide position 1895. The leucine at codon 632 is replaced by arginine, an amino acid with dissimilar properties. This amino acid position is conserved. In addition, this alteration is predicted to be deleterious by in silico analysis. Based on the available evidence, the clinical significance of this variant remains unclear.